The following is an entry in ClinVar:

ClinVar aggregate classification (germline): Likely pathogenic (1 of 4 stars; one submission).

Submission:

GeneDx
Classification: Likely pathogenic. Last evaluated: 2024-05-01. Review status: criteria provided, single submitter. Criteria: GeneDx Variant Classification Process June 2021. Collection method: clinical testing. Allele origin: germline. Affected: yes.
Comment: Not observed at significant frequency in large population cohorts (gnomAD); In silico analysis supports that this missense variant has a deleterious effect on protein structure/function; Missense variants in this gene are a common cause of disease and they are underrepresented in the general population; This variant is associated with the following publications: (PMID: 38129747, 28045201, 26273176)

NM_001399.5(EDA):c.1038C>G (p.Cys346Trp)

Gene: EDA (ectodysplasin A; plus strand). Cytogenetic location: Xq13.1.
Variant type: single nucleotide variant.
Coding change: c.1038C>G on transcript NM_001399.5 (MANE Select); coding-DNA position 1038, C replaced by G.
Protein change: p.Cys346Trp; replaces cysteine 346 with tryptophan.
Molecular consequence: missense variant.
Genome position (GRCh38, 1-based): chrX:70,035,471, C>G. VCF-style: chrX-70035471-C-G. GRCh37 (hg19) VCF-style: chrX-69255321-C-G.
Other names: c.1032C>G, p.Cys344Trp (NM_001005609.2); c.1023C>G, p.Cys341Trp (NM_001005612.3); short protein forms C341W, C344W, C346W.
Identifiers: ClinVar variation 3371229 (VCV003371229.1).